The following is an entry in ClinVar:

GRCh37/hg19 5q35.2-35.3(chr5:176097556-180719789)x1

Genes: RMND5B (required for meiotic nuclear division 5 homolog B; plus strand), RNF130 (ring finger protein 130; minus strand), RUFY1 (RUN and FYVE domain containing 1; plus strand), SCGB3A1 (secretoglobin family 3A member 1; minus strand), SLC34A1 (solute carrier family 34 member 1; plus strand) and 70 more. Cytogenetic location: 5q35.2-35.3.
Variant type: copy number loss.
Change: copy number 1 (one copy instead of two) of chr5:176,097,556-180,719,789 (4.62 Mb, GRCh37 coordinates, 1-based), cytogenetic band 5q35.2-35.3.
Identifiers: ClinVar variation 4682637 (VCV004682637.1).

ClinVar aggregate classification (germline): Pathogenic (1 of 4 stars; one submission).

Submission:

Quest Diagnostics Nichols Institute San Juan Capistrano
Classification: Pathogenic. Last evaluated: 2025-05-27. Review status: criteria provided, single submitter. Criteria: ACMG/ClinGen CNV Guidelines, 2019. Collection method: clinical testing. Allele origin: unknown.
Comment: This deletion involves at least 73 protein-coding genes, including NSD1 (OMIM 606681) and DDX41 (OMIM 608170). Deletions of 5q35 involving NSD1 are associated with Sotos syndrome (OMIM 117550; ISCA-37425; Firth 2009, Lundberg 2024, Tatton-Brown 2022). Additionally, haploinsufficiency of DDX41 is associated with susceptibility to myeloproliferative/lymphoproliferative neoplasms (OMIM 616871; CCID:006982). There are no similar copy number losses of this region in the general populations of the Database of Genomic Variants. Thus, this copy number variant (CNV) is classified as pathogenic. References: Firth et al., Am J Hum Genet. 2009 Apr;84(4):524-33. PMID: 19344873 Lundberg et al., J Clin Res Pediatr Endocrinol. 2024 Feb 12. PMID: 38344969 Tatton-Brown et al., GeneReviews. 2022 Dec 1; PMID: 20301652